The following is an entry in ClinVar:

NM_005045.4(RELN):c.3134A>G (p.His1045Arg)

Gene: RELN (reelin; minus strand). Cytogenetic location: 7q22.1.
Variant type: single nucleotide variant.
Coding change: c.3134A>G on transcript NM_005045.4 (MANE Select); coding-DNA position 3134, A replaced by G.
Protein change: p.His1045Arg; replaces histidine 1045 with arginine.
Molecular consequence: missense variant.
Genome position (GRCh38, 1-based): chr7:103,604,358, T>C on the plus strand (A>G on the coding strand, the complement: RELN is on the minus strand). VCF-style: chr7-103604358-T-C. GRCh37 (hg19) VCF-style: chr7-103244805-T-C.
Other names: c.3134A>G, p.His1045Arg (NM_173054.3); c.3134A>G (NM_005045.3); short protein forms H1045R.
Identifiers: ClinVar variation 3902284 (VCV003902284.2).

ClinVar aggregate classification (germline): Uncertain significance. Review status: criteria provided, multiple submitters, no conflicts (2 of 4 stars). 2 submissions from 2 submitters: Uncertain significance (2). Last evaluated 2025-12-16.

Conditions:
Inborn genetic diseases. Identifiers: MedGen C0950123, MeSH D030342.

gnomAD v4.1: 4 of 1,613,708 alleles (0.00025%); highest among the groups gnomAD compares: African/African-American, 0.0027%; no homozygotes.

Submissions (2):

Ambry Genetics
Classification: Uncertain significance for Inborn genetic diseases. Last evaluated: 2025-12-16. Review status: criteria provided, single submitter. Criteria: Ambry Variant Classification Scheme 2023. Collection method: clinical testing. Allele origin: germline.

Women's Health and Genetics/Laboratory Corporation of America, LabCorp
Classification: Uncertain significance. Last evaluated: 2025-05-12. Review status: criteria provided, single submitter. Criteria: LabCorp Variant Classification Summary - May 2015. Collection method: clinical testing. Allele origin: germline.
Comment: Variant summary: RELN c.3134A>G (p.His1045Arg) results in a non-conservative amino acid change in the encoded protein sequence. Algorithms developed to predict the effect of missense changes on protein structure and function are either unavailable or do not agree on the potential impact of this missense change. The variant allele was found at a frequency of 8e-06 in 250728 control chromosomes. The available data on variant occurrences in the general population are insufficient to allow any conclusion about variant significance. To our knowledge, no occurrence of c.3134A>G in individuals affected with Epilepsy Familial Temporal Lobe 7 and no experimental evidence demonstrating its impact on protein function have been reported. No submitters have cited clinical-significance assessments for this variant to ClinVar. Based on the evidence outlined above, the variant was classified as uncertain significance.